The following is an entry in ClinVar:

NM_001080512.3(BICC1):c.2543A>G (p.Tyr848Cys)

Gene: BICC1 (BicC family RNA binding protein 1; plus strand). Cytogenetic location: 10q21.1.
Variant type: single nucleotide variant.
Coding change: c.2543A>G on transcript NM_001080512.3 (MANE Select); coding-DNA position 2543, A replaced by G.
Protein change: p.Tyr848Cys; replaces tyrosine 848 with cysteine.
Molecular consequence: missense variant.
Genome position (GRCh38, 1-based): chr10:58,817,571, A>G. VCF-style: chr10-58817571-A-G. GRCh37 (hg19) VCF-style: chr10-60577331-A-G.
Other names: short protein forms Y848C.
Identifiers: ClinVar variation 4693381 (VCV004693381.1).
Genomic context (GRCh38, chr10:58,817,571, plus strand): 5'-TGTTCTCTCTGGGCATTTACACTTCAAGCCTGTCTCTCCTTTGCCTTTCAGCGGAACACT[A>G]TCTCAGCAGTAGCAATTACATGGACTGCATTTCCTCGCTGACAGGAAGCAATGGCTGTAA-3'
Protein context (NP_001073981.1, residues 838-858): KRKQNKSTEH[Tyr848Cys]LSSSNYMDCI

ClinVar aggregate classification (germline): Uncertain significance (1 of 4 stars; one submission).

gnomAD v4.1: 8 of 1,613,456 alleles (0.0005%); highest among the groups gnomAD compares: Admixed American, 0.0083%; no homozygotes.

Submission:

Labcorp Genetics (formerly Invitae), Labcorp
Classification: Uncertain significance. Last evaluated: 2025-11-03. Review status: criteria provided, single submitter. Criteria: Invitae Variant Classification Sherloc (09022015). Collection method: clinical testing. Allele origin: germline.
Comment: This sequence change replaces tyrosine, which is neutral and polar, with cysteine, which is neutral and slightly polar, at codon 848 of the BICC1 protein (p.Tyr848Cys). This variant is present in population databases (rs752496486, gnomAD 0.006%). This variant has not been reported in the literature in individuals affected with BICC1-related conditions. An algorithm developed to predict the effect of missense changes on protein structure and function (PolyPhen-2) suggests that this variant is likely to be disruptive. In summary, the available evidence is currently insufficient to determine the role of this variant in disease. Therefore, it has been classified as a Variant of Uncertain Significance.